The following is an entry in ClinVar:

NM_000217.3(KCNA1):c.471_472insTCC (p.Phe157_Glu158insSer)

Gene: KCNA1 (potassium voltage-gated channel subfamily A member 1; plus strand). Cytogenetic location: 12p13.32.
Variant type: Insertion.
Coding change: c.471_472insTCC on transcript NM_000217.3 (MANE Select); coding-DNA positions 471 to 472, TCC inserted.
Protein change: p.Phe157_Glu158insSer.
Molecular consequence: inframe insertion.
Genome position: GRCh38 VCF-style: chr12-4911848-T-TCTC. GRCh37 (hg19) VCF-style: chr12-5021014-T-TCTC.
Identifiers: ClinVar variation 2819684 (VCV002819684.3), dbSNP rs2497352396, ClinGen allele CA2739271828.

ClinVar aggregate classification (germline): Uncertain significance (1 of 4 stars; one submission).

Conditions:
Episodic ataxia type 1 (EA1). Also called: MYOKYMIA WITH PERIODIC ATAXIA; PAROXYSMAL ATAXIA WITH NEUROMYOTONIA, HEREDITARY; Episodic ataxia/myokymia syndrome; ATAXIA, EPISODIC, WITH MYOKYMIA. Identifiers: Orphanet 37612, Orphanet 972, MedGen C1719788, MONDO:0008047, OMIM 160120.

Submission:

Labcorp Genetics (formerly Invitae), Labcorp
Classification: Uncertain significance for Episodic ataxia type 1. Last evaluated: 2022-12-09. Review status: criteria provided, single submitter. Criteria: Invitae Variant Classification Sherloc (09022015). Collection method: clinical testing. Allele origin: germline.
Comment: In summary, the available evidence is currently insufficient to determine the role of this variant in disease. Therefore, it has been classified as a Variant of Uncertain Significance. This variant has not been reported in the literature in individuals affected with KCNA1-related conditions. This variant is not present in population databases (gnomAD no frequency). This variant, c.471_472insTCC, results in the insertion of 1 amino acid(s) of the KCNA1 protein (p.Phe157_Glu158insSer), but otherwise preserves the integrity of the reading frame.